The following is an entry in ClinVar:

ClinVar aggregate classification (germline): Pathogenic (1 of 4 stars; one submission).

Conditions:
Nemaline myopathy 10 (NEM10). Identifiers: MedGen C4015360, MONDO:0014513, OMIM 616165.

Submission:

Institute of Human Genetics, FAU Erlangen, Friedrich-Alexander-Universität Erlangen-Nürnberg
Classification: Pathogenic for Nemaline myopathy 10. Last evaluated: 2025-06-25. Review status: criteria provided, single submitter. Criteria: Hauer et al. (Genet Med. 2018). Collection method: clinical testing. Allele origin: germline. Inheritance: Autosomal recessive inheritance. Affected: yes. Observed: 3 variant alleles.
Comment: This variant has been identified by standard clinical testing. It creates a premature translational stop signal (p.(Glu38LysfsTer15)) in the LMOD3 gene. It is expected to result in an absent or disrupted protein product. Loss-of-function variants in LMOD3 are known to be pathogenic (PMID: 25250574). Selected ACMG criteria: Likely pathogenic (I):PM2;PVS1

NM_198271.5(LMOD3):c.112del (p.Glu38fs)

Genes: LMOD3 (leiomodin 3; minus strand), LOC126806710 (CDK7 strongly-dependent group 2 enhancer GRCh37_chr3:69170601-69171800; plus strand). Cytogenetic location: 3p14.1.
Variant type: Deletion.
Coding change: c.112del on transcript NM_198271.5 (MANE Select); coding-DNA position 112, one base deleted (G; older notation c.112delG).
Protein change: p.Glu38fs; shifts the reading frame from glutamic acid 38.
Molecular consequence: frameshift variant.
Genome position (GRCh38, 1-based): chr3:69,122,275, C deleted on the plus strand (G on the coding strand, the reverse complement: LMOD3 is on the minus strand); the first of 2 consecutive C bases (chr3:69,122,275-69,122,276); deleting either gives the same sequence. VCF-style (leftmost placement, unchanged base first): chr3-69122274-TC-T. GRCh37 (hg19) VCF-style: chr3-69171425-TC-T.
Other names: c.112del, p.Glu38fs (NM_001304418.3); short protein forms E38fs.
Identifiers: ClinVar variation 3906263 (VCV003906263.1).
Genomic context (GRCh38, chr3:69,122,274, plus strand): 5'-GTTTGATCTTTCTGAATCATTCCCACGGGAAGGCTGGGGTCAGGGGCCATGACTTCCATT[TC>T]CGACTGCAGTTCTTTCAGTTCTTCAGCAGACAAGTTGGCCAAGATTTCATCTTCATTAAT-3'